The following is an entry in ClinVar:

ClinVar aggregate classification (germline): Likely pathogenic (1 of 4 stars; one submission).

Conditions:
Hereditary cancer-predisposing syndrome. Also called: Neoplastic Syndromes, Hereditary; Tumor predisposition; Hereditary Cancer Syndrome; Hereditary neoplastic syndrome. Identifiers: Orphanet 140162, MedGen C0027672, MeSH D009386, MONDO:0015356.

Submission:

Ambry Genetics
Classification: Likely pathogenic for Hereditary cancer-predisposing syndrome. Last evaluated: 2020-11-27. Review status: criteria provided, single submitter. Criteria: Ambry Variant Classification Scheme 2023. Collection method: clinical testing. Allele origin: germline.
Comment: The c.734_734+2dupTGT variant results from a duplication of 3 nucleotides between positions c.734 and c.734+2 and involves the canonical splice donor site after coding exon 5 of the STK11 gene. The canonical splice donor site is highly conserved in available vertebrate species. Another alteration impacting the same canonical splice donor site, c.734+1G>A (designated as IVS5+1G>A) was identified in a child diagnosed with JPS who had a history of hamartomatous polyps and perioral pigmentation (Olschwang S, J. Med. Genet. 2001 Jun; 38(6):356-60). Using the BDGP and ESEfinder splice site prediction tools, the strength of the native donor splice site is maintained but shifted downstream resulting in a translational frameshift with a predicted alternate stop codon; however, direct evidence is unavailable. Alterations that disrupt the canonical splice site are expected to cause aberrant splicing, resulting in an abnormal protein or a transcript that is subject to nonsense-mediated mRNA decay. As such, this alteration is classified as likely pathogenic.

NM_000455.5(STK11):c.734_734+2dup

Gene: STK11 (serine/threonine kinase 11; plus strand). Cytogenetic location: 19p13.3.
Variant type: Duplication.
Coding change: c.734_734+2dup on transcript NM_000455.5 (MANE Select); coding-DNA position 734 through the canonical splice donor site of the intron after coding-DNA position 734, 3 bases duplicated (TGT; older notation c.734_734+2dupTGT).
Molecular consequence: splice donor variant.
Genome position (GRCh38, 1-based): chr19:1,220,717-1,220,719, TGT duplicated. VCF-style (leftmost placement, unchanged base first): chr19-1220716-C-CTGT. GRCh37 (hg19) VCF-style: chr19-1220715-C-CTGT.
Identifiers: ClinVar variation 1758413 (VCV001758413.2), dbSNP rs2512943858, ClinGen allele CA2580096098.